The following is an entry in ClinVar:

ClinVar aggregate classification (germline): Pathogenic. Review status: criteria provided, single submitter (1 of 4 stars). 2 submissions from 2 submitters: Pathogenic (1). 1 of the submissions does not count toward it. Last evaluated 2024-03-14.

Conditions:
EARS2-related disorder. Also called: EARS2-related condition; EARS2-related disorders.
Leukoencephalopathy-thalamus and brainstem anomalies-high lactate syndrome. Also called: Combined oxidative phosphorylation deficiency 12; LEUKOENCEPHALOPATHY WITH THALAMUS AND BRAINSTEM INVOLVEMENT AND HIGH LACTATE. Identifiers: Orphanet 314051, MedGen C4706421, MONDO:0013971, OMIM 614924.

Allele frequency attached by ClinVar (database versions not stated): gnomAD 0.00001; gnomAD exomes 0.00001; TOPMed 0.00001.
gnomAD v4.1: 13 of 1,605,774 alleles (0.00081%); highest among the groups gnomAD compares: Admixed American, 0.0051%; no homozygotes.

Submissions (2):

Blueprint Genetics
Classification: Pathogenic for EARS2-related disorders. Last evaluated: 2024-03-14. Review status: criteria provided, single submitter. Criteria: ACMG Guidelines, 2015. Collection method: clinical testing. Allele origin: germline. Affected: yes. Observed: 1 variant allele.

Istanbul Faculty of Medicine, Istanbul University
Classification: Likely pathogenic for Combined oxidative phosphorylation deficiency 12. Last evaluated: 2020-03-30. Review status: no assertion criteria provided. Collection method: clinical testing. Allele origin: germline. Affected: yes and no. Observed: 2 variant alleles. Not counted in ClinVar's aggregate classification.
Comment: In compound heterozygous form with Pathogenic variant NM_001083614.2:c.1283delC

Literature cited by the submitters: PubMed 37377599 (cited by Istanbul Faculty of Medicine, Istanbul University).

NM_001083614.2(EARS2):c.319C>T (p.Arg107Cys)

Gene: EARS2 (glutamyl-tRNA synthetase 2, mitochondrial; minus strand). Cytogenetic location: 16p12.2.
Variant type: single nucleotide variant.
Coding change: c.319C>T on transcript NM_001083614.2 (MANE Select); coding-DNA position 319, C replaced by T.
Protein change: p.Arg107Cys; replaces arginine 107 with cysteine.
Molecular consequence: missense variant. On other transcripts: non-coding transcript variant (1).
Genome position (GRCh38, 1-based): chr16:23,544,680, G>A on the plus strand (C>T on the coding strand, the complement: EARS2 is on the minus strand). VCF-style: chr16-23544680-G-A. GRCh37 (hg19) VCF-style: chr16-23556001-G-A.
Other names: c.319C>T, p.Arg107Cys (NM_001308211.1); short protein forms R107C.
Identifiers: ClinVar variation 973188 (VCV000973188.5), dbSNP rs1355685453, ClinGen allele CA395138693.